The following is an entry in ClinVar:

NM_170601.5(SIAE):c.926A>C (p.Gln309Pro)

Gene: SIAE (sialic acid acetylesterase; minus strand). Cytogenetic location: 11q24.2.
Variant type: single nucleotide variant.
Coding change: c.926A>C on transcript NM_170601.5 (MANE Select); coding-DNA position 926, A replaced by C.
Protein change: p.Gln309Pro; replaces glutamine 309 with proline.
Molecular consequence: missense variant.
Genome position (GRCh38, 1-based): chr11:124,647,405, T>G on the plus strand (A>C on the coding strand, the complement: SIAE is on the minus strand). VCF-style: chr11-124647405-T-G. GRCh37 (hg19) VCF-style: chr11-124517301-T-G.
Other names: c.821A>C, p.Gln274Pro (NM_001199922.2); short protein forms Q309P, Q274P.
Identifiers: ClinVar variation 2055855 (VCV002055855.4), dbSNP rs757586703, ClinGen allele CA6341370.
Genomic context (GRCh38, chr11:124,647,405, plus strand): 5'-AGCCTTTACCCACATCGTACCTGGACAAGTCCAAATGGGAAGAAACGCTCCGTCTGCCCC[T>G]GGGAACCACGGTGGAAGGTTTCACGCCAGTCTTCGATGAGTGCAGGGAATGTGCAATTGT-3'
Protein context (NP_733746.1, residues 299-319): DWRETFHRGS[Gln309Pro]GQTERFFPFG

ClinVar aggregate classification (germline): Uncertain significance (1 of 4 stars; one submission).

gnomAD v4.1: 253 of 1,614,066 alleles (0.016%); highest among the groups gnomAD compares: Middle Eastern, 0.066%; no homozygotes.

Submission:

Labcorp Genetics (formerly Invitae), Labcorp
Classification: Uncertain significance. Last evaluated: 2025-10-03. Review status: criteria provided, single submitter. Criteria: Invitae Variant Classification Sherloc (09022015). Collection method: clinical testing. Allele origin: germline.
Comment: This sequence change replaces glutamine, which is neutral and polar, with proline, which is neutral and non-polar, at codon 309 of the SIAE protein (p.Gln309Pro). This variant is present in population databases (rs757586703, gnomAD 0.009%). This missense change has been observed in individual(s) with autoimmune disease (PMID: 20555325). ClinVar contains an entry for this variant (Variation ID: 2055855). An algorithm developed to predict the effect of missense changes on protein structure and function (PolyPhen-2) suggests that this variant is likely to be tolerated. Experimental studies have shown that this missense change affects SIAE function (PMID: 20555325, 23308225). In summary, the available evidence is currently insufficient to determine the role of this variant in disease. Therefore, it has been classified as a Variant of Uncertain Significance.

Literature cited by the submitters: PubMed 20555325; PubMed 23308225.